The following is an entry in ClinVar:

NM_001378778.1(MPDZ):c.1975G>A (p.Val659Ile)

Gene: MPDZ (multiple PDZ domain crumbs cell polarity complex component; minus strand). Cytogenetic location: 9p23.
Variant type: single nucleotide variant.
Coding change: c.1975G>A on transcript NM_001378778.1 (MANE Select); coding-DNA position 1975, G replaced by A.
Protein change: p.Val659Ile; replaces valine 659 with isoleucine.
Molecular consequence: missense variant.
Genome position (GRCh38, 1-based): chr9:13,190,293, C>T on the plus strand (G>A on the coding strand, the complement: MPDZ is on the minus strand). VCF-style: chr9-13190293-C-T. GRCh37 (hg19) VCF-style: chr9-13190292-C-T.
Other names: c.1975G>A, p.Val659Ile (NM_001261406.2, NM_001261407.2, NM_001330637.2 and 14 more transcripts); short protein forms V659I.
Identifiers: ClinVar variation 726247 (VCV000726247.24), dbSNP rs77838108, ClinGen allele CA4987601.

ClinVar aggregate classification (germline): Conflicting classifications of pathogenicity. Review status: criteria provided, conflicting classifications (1 of 4 stars). 5 submissions from 5 submitters: Uncertain significance (1); Likely benign (3). 1 of the submissions does not count toward it. Last evaluated 2026-03-01.

Conditions:
MPDZ-related disorder. Also called: MPDZ-related condition.

Allele frequency attached by ClinVar (database versions not stated): 1000 Genomes Project 30x 0.00172; 1000 Genomes Project 0.00180; ExAC 0.00206; gnomAD 0.00211 and 0.00216; gnomAD exomes 0.00211; TOPMed 0.00215; ESP Exome Variant Server 0.00282.
gnomAD v4.1: 5,270 of 1,571,428 alleles (0.34%); highest among the groups gnomAD compares: Non-Finnish European, 0.43%; 18 homozygotes.

Submissions (5):

CeGaT Center for Human Genetics Tuebingen
Classification: Likely benign. Last evaluated: 2026-03-01. Review status: criteria provided, single submitter. Criteria: CeGaT Center For Human Genetics Tuebingen Variant Classification Criteria Version 2. Collection method: clinical testing. Allele origin: germline. Affected: yes. Observed: 4 variant alleles.
Comment: MPDZ: BP4, BS2

Labcorp Genetics (formerly Invitae), Labcorp
Classification: Likely benign. Last evaluated: 2026-01-19. Review status: criteria provided, single submitter. Criteria: Invitae Variant Classification Sherloc (09022015). Collection method: clinical testing. Allele origin: germline.

Blueprint Genetics
Classification: Likely benign. Last evaluated: 2024-10-18. Review status: criteria provided, single submitter. Criteria: ACMG Guidelines, 2015. Collection method: clinical testing. Allele origin: germline.

Genetic Services Laboratory, University of Chicago
Classification: Uncertain significance. Last evaluated: 2017-10-26. Review status: criteria provided, single submitter. Criteria: ACMG Guidelines, 2015. Collection method: clinical testing. Allele origin: germline. Affected: no.

PreventionGenetics, part of Exact Sciences
Classification: Likely benign for MPDZ-related condition. Last evaluated: 2022-04-15. Review status: no assertion criteria provided. Collection method: clinical testing. Allele origin: germline. Not counted in ClinVar's aggregate classification.
Comment: This variant is classified as likely benign based on ACMG/AMP sequence variant interpretation guidelines (Richards et al. 2015 PMID: 25741868, with internal and published modifications).